The following is an entry in ClinVar:

NM_001378454.1(ALMS1):c.6138T>G (p.Ser2046Arg)

Gene: ALMS1 (ALMS1 centrosome and basal body associated protein; plus strand). Cytogenetic location: 2p13.1.
Variant type: single nucleotide variant.
Coding change: c.6138T>G on transcript NM_001378454.1 (MANE Select); coding-DNA position 6138, T replaced by G.
Protein change: p.Ser2046Arg; replaces serine 2046 with arginine.
Molecular consequence: missense variant.
Genome position (GRCh38, 1-based): chr2:73,452,665, T>G. VCF-style: chr2-73452665-T-G. GRCh37 (hg19) VCF-style: chr2-73679792-T-G.
Other names: c.6141T>G, p.Ser2047Arg (NM_015120.4); short protein forms S2046R, S2047R.
Identifiers: ClinVar variation 1345103 (VCV001345103.6), dbSNP rs780566681, ClinGen allele CA1714010.
Genomic context (GRCh38, chr2:73,452,665, plus strand): 5'-GATTTCAACTGTGATTGGACCAAATGACCAGAAGACTCCATCCCAGACAGCTTTTCATAG[T>G]TCCTATTCTCAAACAGTAAAGCCCAATATTTTATTTCAACAGCAGTTGCCAGATAGAGAT-3'
Protein context (NP_001365383.1, residues 2036-2056): QKTPSQTAFH[Ser2046Arg]SYSQTVKPNI

ClinVar aggregate classification (germline): Uncertain significance. Review status: criteria provided, multiple submitters, no conflicts (2 of 4 stars). 3 submissions from 3 submitters: Uncertain significance (3). Last evaluated 2023-06-07.

Conditions:
Cardiovascular phenotype. Identifiers: MedGen CN230736.
Alstrom syndrome (ALMS). Identifiers: Orphanet 64, MedGen C0268425, MONDO:0008763, OMIM 203800.

Allele frequency attached by ClinVar (database versions not stated): ExAC 0.00001; gnomAD exomes below 0.00001 and 0.00001; gnomAD 0.00001; TOPMed 0.00003.
gnomAD v4.1: 2 of 1,613,874 alleles (0.00012%); highest among the groups gnomAD compares: African/African-American, 0.0027%; no homozygotes.

Submissions (3):

Ambry Genetics
Classification: Uncertain significance for Cardiovascular phenotype. Last evaluated: 2023-06-07. Review status: criteria provided, single submitter. Criteria: Ambry Variant Classification Scheme 2023. Collection method: clinical testing. Allele origin: germline.
Comment: The p.S2047R variant (also known as c.6141T>G), located in coding exon 8 of the ALMS1 gene, results from a T to G substitution at nucleotide position 6141. The serine at codon 2047 is replaced by arginine, an amino acid with dissimilar properties. This amino acid position is poorly conserved in available vertebrate species. In addition, this alteration is predicted to be tolerated by in silico analysis. Since supporting evidence is limited at this time, the clinical significance of this alteration remains unclear.

Labcorp Genetics (formerly Invitae), Labcorp
Classification: Uncertain significance for Alstrom syndrome. Last evaluated: 2022-07-06. Review status: criteria provided, single submitter. Criteria: Invitae Variant Classification Sherloc (09022015). Collection method: clinical testing. Allele origin: germline.
Comment: This sequence change replaces serine with arginine at codon 2047 of the ALMS1 protein (p.Ser2047Arg). The serine residue is weakly conserved and there is a moderate physicochemical difference between serine and arginine. This variant is present in population databases (rs780566681, gnomAD 0.01%). This variant has not been reported in the literature in individuals affected with ALMS1-related conditions. ClinVar contains an entry for this variant (Variation ID: 1345103). Experimental studies and prediction algorithms are not available or were not evaluated, and the functional significance of this variant is currently unknown. In summary, the available evidence is currently insufficient to determine the role of this variant in disease. Therefore, it has been classified as a Variant of Uncertain Significance.

Fulgent Genetics
Classification: Uncertain significance for Alstrom syndrome. Last evaluated: 2021-10-12. Review status: criteria provided, single submitter. Criteria: ACMG Guidelines, 2015. Collection method: clinical testing. Allele origin: unknown.